The following is an entry in ClinVar:

NM_025212.4(CXXC4):c.336C>G (p.Gly112=)

Genes: CXXC4 (CXXC finger protein 4; minus strand), CXXC4-AS1 (CXXC4 antisense RNA 1; plus strand). Cytogenetic location: 4q24.
Variant type: single nucleotide variant.
Coding change: c.336C>G on transcript NM_025212.4 (MANE Select); coding-DNA position 336, C replaced by G.
Protein change: p.Gly112=; no amino-acid change (glycine 112 retained).
Molecular consequence: synonymous variant.
Genome position (GRCh38, 1-based): chr4:104,491,467, G>C on the plus strand (C>G on the coding strand, the complement: CXXC4 is on the minus strand). VCF-style: chr4-104491467-G-C. GRCh37 (hg19) VCF-style: chr4-105412624-G-C.
Identifiers: ClinVar variation 2654996 (VCV002654996.24), dbSNP rs1032157514, ClinGen allele CA103293267.

ClinVar aggregate classification (germline): Likely benign (1 of 4 stars; one submission).

Submission:

CeGaT Center for Human Genetics Tuebingen
Classification: Likely benign. Last evaluated: 2023-01-01. Review status: criteria provided, single submitter. Criteria: CeGaT Center For Human Genetics Tuebingen Variant Classification Criteria Version 2. Collection method: clinical testing. Allele origin: germline. Affected: yes. Observed: 2 variant alleles.
Comment: CXXC4: BP4, BP7